The following is an entry in ClinVar:

ClinVar aggregate classification (germline): Uncertain significance (1 of 4 stars; one submission).

Conditions:
Vici syndrome (VICIS). Identifiers: Orphanet 1493, MedGen C1855772, MONDO:0009452, OMIM 242840.

Allele frequency attached by ClinVar (database versions not stated): TOPMed below 0.00001; gnomAD 0.00001; gnomAD exomes 0.00001; ExAC 0.00002.
gnomAD v4.1: 17 of 1,613,034 alleles (0.0011%); highest among the groups gnomAD compares: Non-Finnish European, 0.0014%; no homozygotes.

Submission:

Labcorp Genetics (formerly Invitae), Labcorp
Classification: Uncertain significance for Vici syndrome. Last evaluated: 2024-03-07. Review status: criteria provided, single submitter. Criteria: Invitae Variant Classification Sherloc (09022015). Collection method: clinical testing. Allele origin: germline.
Comment: This sequence change replaces valine, which is neutral and non-polar, with alanine, which is neutral and non-polar, at codon 212 of the EPG5 protein (p.Val212Ala). This variant is present in population databases (rs756805638, gnomAD 0.002%). This variant has not been reported in the literature in individuals affected with EPG5-related conditions. ClinVar contains an entry for this variant (Variation ID: 2192926). Advanced modeling of protein sequence and biophysical properties (such as structural, functional, and spatial information, amino acid conservation, physicochemical variation, residue mobility, and thermodynamic stability) performed at Invitae indicates that this missense variant is not expected to disrupt EPG5 protein function with a negative predictive value of 80%. In summary, the available evidence is currently insufficient to determine the role of this variant in disease. Therefore, it has been classified as a Variant of Uncertain Significance.

NM_020964.3(EPG5):c.635T>C (p.Val212Ala)

Gene: EPG5 (ectopic P-granules 5 autophagy tethering factor; minus strand). Cytogenetic location: 18q21.1.
Variant type: single nucleotide variant.
Coding change: c.635T>C on transcript NM_020964.3 (MANE Select); coding-DNA position 635, T replaced by C.
Protein change: p.Val212Ala; replaces valine 212 with alanine.
Molecular consequence: missense variant.
Genome position (GRCh38, 1-based): chr18:45,954,767, A>G on the plus strand (T>C on the coding strand, the complement: EPG5 is on the minus strand). VCF-style: chr18-45954767-A-G. GRCh37 (hg19) VCF-style: chr18-43534733-A-G.
Other names: c.635T>C, p.Val212Ala (NM_001410858.1, NM_001410859.1); short protein forms V212A.
Identifiers: ClinVar variation 2192926 (VCV002192926.2), dbSNP rs756805638, ClinGen allele CA8949917.